The following is an entry in ClinVar:

ClinVar aggregate classification (germline): Pathogenic (1 of 4 stars; one submission).

Conditions:
Neuronal ceroid lipofuscinosis. Also called: Neuronal Ceroid Lipofuscinoses. Identifiers: Orphanet 216, Orphanet 79263, MedGen C0027877, MONDO:0016295. Disease mechanism: loss of function.

Submission:

Labcorp Genetics (formerly Invitae), Labcorp
Classification: Pathogenic for Neuronal ceroid lipofuscinosis. Last evaluated: 2023-02-25. Review status: criteria provided, single submitter. Criteria: Invitae Variant Classification Sherloc (09022015). Collection method: clinical testing. Allele origin: unknown.
Comment: This variant is a gross deletion of the genomic region encompassing exon(s) 2-7 of the CLN3 gene, which includes the initiator codon. This deletion extends beyond the assayed region for this gene and therefore may encompass additional genes. It is expected to result in an absent or disrupted protein product. Loss-of-function variants in CLN3 are known to be pathogenic (PMID: 9311735, 28542676). This variant has not been reported in the literature in individuals affected with CLN3-related conditions. For these reasons, this variant has been classified as Pathogenic.

Literature cited by the submitters: PubMed 9311735; PubMed 28542676.

NC_000016.9:g.(?_28498757)_(28503080_?)del

Gene: CLN3 (CLN3 lysosomal/endosomal transmembrane protein, battenin; minus strand). Cytogenetic location: 16p11.2.
Variant type: Deletion.
Identifiers: ClinVar variation 3243306 (VCV003243306.1).